The following is an entry in ClinVar:

NM_004356.4(CD81):c.418G>A (p.Ala140Thr)

Gene: CD81 (CD81 molecule; plus strand). Cytogenetic location: 11p15.5.
Variant type: single nucleotide variant.
Coding change: c.418G>A on transcript NM_004356.4 (MANE Select); coding-DNA position 418, G replaced by A.
Protein change: p.Ala140Thr; replaces alanine 140 with threonine.
Molecular consequence: missense variant.
Genome position (GRCh38, 1-based): chr11:2,395,479, G>A. VCF-style: chr11-2395479-G-A. GRCh37 (hg19) VCF-style: chr11-2416709-G-A.
Other names: c.205G>A, p.Ala69Thr (NM_001297649.2); short protein forms A140T, A69T.
Identifiers: ClinVar variation 1480255 (VCV001480255.8), dbSNP rs753283461, ClinGen allele CA5820000.

ClinVar aggregate classification (germline): Uncertain significance (1 of 4 stars; one submission).

Allele frequency attached by ClinVar (database versions not stated): ExAC 0.00001; gnomAD 0.00002; gnomAD exomes 0.00002; TOPMed 0.00002.

Submission:

Labcorp Genetics (formerly Invitae), Labcorp
Classification: Uncertain significance. Last evaluated: 2025-07-21. Review status: criteria provided, single submitter. Criteria: Invitae Variant Classification Sherloc (09022015). Collection method: clinical testing. Allele origin: germline.
Comment: This sequence change replaces alanine, which is neutral and non-polar, with threonine, which is neutral and polar, at codon 140 of the CD81 protein (p.Ala140Thr). This variant is present in population databases (rs753283461, gnomAD 0.006%). This variant has not been reported in the literature in individuals affected with CD81-related conditions. ClinVar contains an entry for this variant (Variation ID: 1480255). An algorithm developed to predict the effect of missense changes on protein structure and function (PolyPhen-2) suggests that this variant is likely to be tolerated. In summary, the available evidence is currently insufficient to determine the role of this variant in disease. Therefore, it has been classified as a Variant of Uncertain Significance.